The following is an entry in ClinVar:

ClinVar aggregate classification (germline): Uncertain significance (1 of 4 stars; one submission).

Submission:

Centre of Medical Genetics, University Hospital Muenster
Classification: Uncertain significance. Last evaluated: 2023-03-01. Review status: criteria provided, single submitter. Criteria: ACMG Guidelines, 2015. Collection method: clinical testing. Allele origin: unknown. Affected: yes. Observed: 1 variant allele, 1 heterozygote.
Comment: ACMG categories: PM2

NM_000937.5(POLR2A):c.3626C>G (p.Pro1209Arg)

Gene: POLR2A (RNA polymerase II subunit A; plus strand). Cytogenetic location: 17p13.1.
Variant type: single nucleotide variant.
Coding change: c.3626C>G on transcript NM_000937.5 (MANE Select); coding-DNA position 3626, C replaced by G.
Protein change: p.Pro1209Arg; replaces proline 1209 with arginine.
Molecular consequence: missense variant.
Genome position (GRCh38, 1-based): chr17:7,509,104, C>G. VCF-style: chr17-7509104-C-G. GRCh37 (hg19) VCF-style: chr17-7412423-C-G.
Other names: short protein forms P1209R.
Identifiers: ClinVar variation 2504126 (VCV002504126.2), dbSNP rs1442843700, ClinGen allele CA397811482.
Genomic context (GRCh38, chr17:7,509,104, plus strand): 5'-ATCAGGAATGGGTGAATGTCTACTATGAAATGCCTGACTTTGATGTGGCCCGAATCTCCC[C>G]CTGGCTGTTGCGGGTGGAGCTGGATCGGAAGCACATGACTGACCGGAAGCTCACCATGGA-3'
Protein context (NP_000928.1, residues 1199-1219): MPDFDVARIS[Pro1209Arg]WLLRVELDRK